The following is an entry in ClinVar:

NM_002460.4(IRF4):c.959C>A (p.Ala320Asp)

Gene: IRF4 (interferon regulatory factor 4; plus strand). Cytogenetic location: 6p25.3.
Variant type: single nucleotide variant.
Coding change: c.959C>A on transcript NM_002460.4 (MANE Select); coding-DNA position 959, C replaced by A.
Protein change: p.Ala320Asp; replaces alanine 320 with aspartic acid.
Molecular consequence: missense variant. On other transcripts: non-coding transcript variant (1).
Genome position (GRCh38, 1-based): chr6:401,637, C>A. VCF-style: chr6-401637-C-A. GRCh37 (hg19) VCF-style: chr6-401637-C-A.
Other names: c.956C>A, p.Ala319Asp (NM_001195286.2); short protein forms A319D, A320D.
Identifiers: ClinVar variation 2100982 (VCV002100982.4), dbSNP rs775326241, ClinGen allele CA133337034.
Genomic context (GRCh38, chr6:401,637, plus strand): 5'-AGAGGAAAAACATTGAGAAGCTGCTGAGCCACCTGGAGAGGGGCGTGGTCCTCTGGATGG[C>A]CCCCGACGGGCTCTATGCGAAAAGACTGTGCCAGAGCAGGATCTACTGGGACGGGCCCCT-3'
Protein context (NP_002451.2, residues 310-330): HLERGVVLWM[Ala320Asp]PDGLYAKRLC

ClinVar aggregate classification (germline): Uncertain significance (1 of 4 stars; one submission).

Submission:

Labcorp Genetics (formerly Invitae), Labcorp
Classification: Uncertain significance. Last evaluated: 2023-04-12. Review status: criteria provided, single submitter. Criteria: Invitae Variant Classification Sherloc (09022015). Collection method: clinical testing. Allele origin: germline.
Comment: In summary, the available evidence is currently insufficient to determine the role of this variant in disease. Therefore, it has been classified as a Variant of Uncertain Significance. An algorithm developed to predict the effect of missense changes on protein structure and function (PolyPhen-2) suggests that this variant is likely to be disruptive. ClinVar contains an entry for this variant (Variation ID: 2100982). This variant has not been reported in the literature in individuals affected with IRF4-related conditions. This variant is present in population databases (no rsID available, gnomAD 0.01%). This sequence change replaces alanine, which is neutral and non-polar, with aspartic acid, which is acidic and polar, at codon 320 of the IRF4 protein (p.Ala320Asp).